The following is an entry in ClinVar:

ClinVar aggregate classification (germline): Uncertain significance. Review status: criteria provided, multiple submitters, no conflicts (2 of 4 stars). 5 submissions from 5 submitters: Uncertain significance (5). Last evaluated 2025-11-20.

Conditions:
TH-deficient dopa-responsive dystonia. Also called: Tyrosine Hydroxylase-Deficient Dopa-Responsive Dystonia; DYT-TH; Segawa syndrome, autosomal recessive. Identifiers: Orphanet 101150, MedGen C2673535, MONDO:0011551, OMIM 605407.

Allele frequency attached by ClinVar (database versions not stated): gnomAD 0.00019 and 0.00017; gnomAD exomes 0.00022 and 0.00027; TOPMed 0.00011; ESP Exome Variant Server 0.00023; ExAC 0.00024.

Submissions (5):

Mayo Clinic Laboratories, Mayo Clinic
Classification: Uncertain significance. Last evaluated: 2025-11-20. Review status: criteria provided, single submitter. Criteria: ACMG Guidelines, 2015. Collection method: clinical testing. Allele origin: germline. Observed: 2 variant alleles.

Women's Health and Genetics/Laboratory Corporation of America, LabCorp
Classification: Uncertain significance. Last evaluated: 2025-02-05. Review status: criteria provided, single submitter. Criteria: LabCorp Variant Classification Summary - May 2015. Collection method: clinical testing. Allele origin: germline.
Comment: Variant summary: TH c.1516G>A (p.Val506Met) results in a conservative amino acid change located in the Biopterin-dependent aromatic amino acid hydroxylase family profile domain (IPR019774) of the encoded protein sequence. Three of five in-silico tools predict a damaging effect of the variant on protein function. The variant allele was found at a frequency of 0.00022 in 184644 control chromosomes. This frequency is not significantly higher than estimated for a pathogenic variant in TH causing Segawa Syndrome, Autosomal Recessive (0.00022 vs 0.0011), allowing no conclusion about variant significance. To our knowledge, no occurrence of c.1516G>A in individuals affected with Segawa Syndrome, Autosomal Recessive and no experimental evidence demonstrating its impact on protein function have been reported. ClinVar contains an entry for this variant (Variation ID: 879134). Based on the evidence outlined above, the variant was classified as uncertain significance.

Labcorp Genetics (formerly Invitae), Labcorp
Classification: Uncertain significance for TH-deficient dopa-responsive dystonia. Last evaluated: 2022-10-13. Review status: criteria provided, single submitter. Criteria: Invitae Variant Classification Sherloc (09022015). Collection method: clinical testing. Allele origin: germline.
Comment: This sequence change replaces valine, which is neutral and non-polar, with methionine, which is neutral and non-polar, at codon 506 of the TH protein (p.Val506Met). This variant is present in population databases (rs147585774, gnomAD 0.04%). This variant has not been reported in the literature in individuals affected with TH-related conditions. ClinVar contains an entry for this variant (Variation ID: 879134). Advanced modeling of protein sequence and biophysical properties (such as structural, functional, and spatial information, amino acid conservation, physicochemical variation, residue mobility, and thermodynamic stability) has been performed at Invitae for this missense variant, however the output from this modeling did not meet the statistical confidence thresholds required to predict the impact of this variant on TH protein function. In summary, the available evidence is currently insufficient to determine the role of this variant in disease. Therefore, it has been classified as a Variant of Uncertain Significance.

Fulgent Genetics
Classification: Uncertain significance for TH-deficient dopa-responsive dystonia. Last evaluated: 2022-04-07. Review status: criteria provided, single submitter. Criteria: ACMG Guidelines, 2015. Collection method: clinical testing. Allele origin: unknown.

Illumina Laboratory Services, Illumina
Classification: Uncertain significance for TH-deficient dopa-responsive dystonia. Last evaluated: 2017-04-27. Review status: criteria provided, single submitter. Criteria: ICSL Variant Classification Criteria 13 December 2019. Collection method: clinical testing. Allele origin: germline.

NM_000360.4(TH):c.1423G>A (p.Val475Met)

Gene: TH (tyrosine hydroxylase; minus strand). Cytogenetic location: 11p15.5.
Variant type: single nucleotide variant.
Coding change: c.1423G>A on transcript NM_000360.4 (MANE Select); coding-DNA position 1423, G replaced by A.
Protein change: p.Val475Met; replaces valine 475 with methionine.
Molecular consequence: missense variant.
Genome position (GRCh38, 1-based): chr11:2,164,304, C>T on the plus strand (G>A on the coding strand, the complement: TH is on the minus strand). VCF-style: chr11-2164304-C-T. GRCh37 (hg19) VCF-style: chr11-2185534-C-T.
Other names: p.Val506Met; c.1516G>A, p.Val506Met (NM_199292.3); c.1504G>A, p.Val502Met (NM_199293.3); short protein forms V475M, V502M, V506M.
Identifiers: ClinVar variation 879134 (VCV000879134.8), dbSNP rs147585774, ClinGen allele CA5818244.